The following is an entry in ClinVar:

NM_020988.3(GNAO1):c.147_148insTTC (p.Ile49_Val50insPhe)

Gene: GNAO1 (G protein subunit alpha o1; plus strand). Cytogenetic location: 16q13.
Variant type: Insertion.
Coding change: c.147_148insTTC on transcript NM_020988.3 (MANE Select); coding-DNA positions 147 to 148, TTC inserted.
Protein change: p.Ile49_Val50insPhe.
Molecular consequence: inframe insertion.
Genome position: GRCh38 VCF-style: chr16-56192602-T-TTTC. GRCh37 (hg19) VCF-style: chr16-56226514-T-TTTC.
Other names: c.147_148insTTC, p.Ile49_Val50insPhe (NM_138736.3).
Identifiers: ClinVar variation 4077215 (VCV004077215.1).
Genomic context (GRCh38, chr16:56,192,602, plus strand): 5'-CCAGTTTTTCCCCACTGTCTGTGTCCCAACAGGGGCTGGAGAATCAGGAAAAAGCACCAT[T>TTTC]GTGAAGCAGATGAAGTAAGTCCCTGTGGCATTGGGATTCGTACTTTTATTAAGAATAATT-3'

ClinVar aggregate classification (germline): Uncertain significance (1 of 4 stars; one submission).

Submission:

GeneDx
Classification: Uncertain significance. Last evaluated: 2025-02-24. Review status: criteria provided, single submitter. Criteria: GeneDx Variant Classification Process June 2021. Collection method: clinical testing. Allele origin: germline. Affected: yes.
Comment: Not observed at significant frequency in large population cohorts (gnomAD); In-frame insertion of 1 amino acid in a non-repeat region; Has not been previously published as pathogenic or benign to our knowledge